The following is an entry in ClinVar:

NM_000252.3(MTM1):c.1529A>G (p.Lys510Arg)

Gene: MTM1 (myotubularin 1; plus strand). Cytogenetic location: Xq28.
Variant type: single nucleotide variant.
Coding change: c.1529A>G on transcript NM_000252.3 (MANE Select); coding-DNA position 1529, A replaced by G.
Protein change: p.Lys510Arg; replaces lysine 510 with arginine.
Molecular consequence: missense variant.
Genome position (GRCh38, 1-based): chrX:150,663,494, A>G. VCF-style: chrX-150663494-A-G. GRCh37 (hg19) VCF-style: chrX-149831967-A-G.
Other names: c.1529A>G, p.Lys510Arg (NM_001376906.1, NM_001376908.1); c.1418A>G, p.Lys473Arg (NM_001376907.1); short protein forms K473R, K510R.
Identifiers: ClinVar variation 1449968 (VCV001449968.6), dbSNP rs2148515610, ClinGen allele CA415260158.
Genomic context (GRCh38, chrX:150,663,494, plus strand): 5'-AGGTTACAGAAAGGACTGTTTCTTTATGGTCACTGATAAACAGTAATAAAGAAAAATTCA[A>G]AAACCCCTTCTATACTAAAGAAATCAATCGAGTTTTATATCCAGTTGCCAGTATGCGTCA-3'
Protein context (NP_000243.1, residues 500-520): SLINSNKEKF[Lys510Arg]NPFYTKEINR

ClinVar aggregate classification (germline): Uncertain significance (1 of 4 stars; one submission).

Conditions:
Severe X-linked myotubular myopathy (CNMX). Also called: MYOTUBULAR MYOPATHY 1; Myotubular myopathy, X-linked; X-linked centronuclear myopathy. Identifiers: Orphanet 596, MedGen C0410203, MONDO:0010683, OMIM 310400.

Submission:

Labcorp Genetics (formerly Invitae), Labcorp
Classification: Uncertain significance for Severe X-linked myotubular myopathy. Last evaluated: 2022-07-19. Review status: criteria provided, single submitter. Criteria: Invitae Variant Classification Sherloc (09022015). Collection method: clinical testing. Allele origin: germline.
Comment: This sequence change replaces lysine, which is basic and polar, with arginine, which is basic and polar, at codon 510 of the MTM1 protein (p.Lys510Arg). This variant is not present in population databases (gnomAD no frequency). This variant has not been reported in the literature in individuals affected with MTM1-related conditions. ClinVar contains an entry for this variant (Variation ID: 1449968). Algorithms developed to predict the effect of missense changes on protein structure and function (SIFT, PolyPhen-2, Align-GVGD) all suggest that this variant is likely to be tolerated. In summary, the available evidence is currently insufficient to determine the role of this variant in disease. Therefore, it has been classified as a Variant of Uncertain Significance.